The following is an entry in ClinVar:

ClinVar aggregate classification (germline): Pathogenic (1 of 4 stars; one submission).

Conditions:
Deficiency of 2-methylbutyryl-CoA dehydrogenase (ACADSB). Also called: 2-methylbutyrylglycinuria; 2-methylbutyryl-CoA dehydrogenase deficiency; SBCAD deficiency; 2-methylbutyric aciduria; Short branched-chain acyl-CoA dehydrogenase deficiency. Identifiers: Orphanet 79157, MedGen C1864912, MONDO:0012392, OMIM 610006, HP:0020147.

gnomAD v4.1: 2 of 1,614,156 alleles (0.00012%); highest among the groups gnomAD compares: Non-Finnish European, 0.00017%; no homozygotes.

Submission:

Labcorp Genetics (formerly Invitae), Labcorp
Classification: Pathogenic for Deficiency of 2-methylbutyryl-CoA dehydrogenase. Last evaluated: 2025-02-20. Review status: criteria provided, single submitter. Criteria: Invitae Variant Classification Sherloc (09022015). Collection method: clinical testing. Allele origin: germline.
Comment: This sequence change replaces serine, which is neutral and polar, with asparagine, which is neutral and polar, at codon 183 of the ACADSB protein (p.Ser183Asn). This variant is not present in population databases (gnomAD no frequency). This missense change has been observed in individual(s) with clinical features of ACADSB-related conditions (internal data). In at least one individual the data is consistent with being in trans (on the opposite chromosome) from a pathogenic variant. Invitae Evidence Modeling of protein sequence and biophysical properties (such as structural, functional, and spatial information, amino acid conservation, physicochemical variation, residue mobility, and thermodynamic stability) indicates that this missense variant is expected to disrupt ACADSB protein function with a positive predictive value of 95%. For these reasons, this variant has been classified as Pathogenic.

NM_001609.4(ACADSB):c.548G>A (p.Ser183Asn)

Gene: ACADSB (acyl-CoA dehydrogenase short/branched chain; plus strand). Cytogenetic location: 10q26.13.
Variant type: single nucleotide variant.
Coding change: c.548G>A on transcript NM_001609.4 (MANE Select); coding-DNA position 548, G replaced by A.
Protein change: p.Ser183Asn; replaces serine 183 with asparagine.
Molecular consequence: missense variant.
Genome position (GRCh38, 1-based): chr10:123,041,246, G>A. VCF-style: chr10-123041246-G-A. GRCh37 (hg19) VCF-style: chr10-124800762-G-A.
Other names: c.242G>A, p.Ser81Asn (NM_001330174.3); short protein forms S81N, S183N.
Identifiers: ClinVar variation 3682850 (VCV003682850.2).
Genomic context (GRCh38, chr10:123,041,246, plus strand): 5'-ACATTTTTTTCTCCCATATGTAGGTAGGAAGTTTCTGCCTTTCAGAGGCTGGAGCAGGTA[G>A]TGACTCATTTGCTTTGAAGACCAGAGCTGATAAAGAGGGAGATTATTATGTCCTCAATGG-3'
Protein context (NP_001600.1, residues 173-193): SFCLSEAGAG[Ser183Asn]DSFALKTRAD